The following is an entry in ClinVar:

NM_005263.5(GFI1):c.1207A>G (p.Lys403Glu)

Genes: GFI1 (growth factor independent 1 transcriptional repressor; minus strand), LOC129930930 (ATAC-STARR-seq lymphoblastoid active region 1314; plus strand). Cytogenetic location: 1p22.1.
Variant type: single nucleotide variant.
Coding change: c.1207A>G on transcript NM_005263.5 (MANE Select); coding-DNA position 1207, A replaced by G.
Protein change: p.Lys403Glu; replaces lysine 403 with glutamic acid.
Molecular consequence: missense variant.
Genome position (GRCh38, 1-based): chr1:92,476,091, T>C on the plus strand (A>G on the coding strand, the complement: GFI1 is on the minus strand). VCF-style: chr1-92476091-T-C. GRCh37 (hg19) VCF-style: chr1-92941648-T-C.
Other names: c.1207A>G, p.Lys403Glu (NM_001127215.3, NM_001127216.3); short protein forms K403E.
Identifiers: ClinVar variation 4671593 (VCV004671593.1).
Genomic context (GRCh38, chr1:92,476,091, plus strand): 5'-ATTTGAGCCCATGCTGCGTCTCCCGGTGCCTTCGGAGGTCCACCTTCCTCTGGAAACCCT[T>C]CCCACAGAGGTCGCAGCCGAAGGGCTTGAAGCCTGTGTGTTTGCGGCTGTGGGTGATGAG-3'
Protein context (NP_005254.2, residues 393-413): FKPFGCDLCG[Lys403Glu]GFQRKVDLRR

ClinVar aggregate classification (germline): Uncertain significance (1 of 4 stars; one submission).

Submission:

Ambry Genetics
Classification: Uncertain significance. Last evaluated: 2025-11-08. Review status: criteria provided, single submitter. Criteria: Ambry Variant Classification Scheme 2023. Collection method: clinical testing. Allele origin: germline.
Comment: The p.K403E variant (also known as c.1207A>G), located in coding exon 6 of the GFI1 gene, results from an A to G substitution at nucleotide position 1207. The lysine at codon 403 is replaced by glutamic acid, an amino acid with similar properties. This amino acid position is conserved. In addition, the in silico prediction for this alteration is inconclusive. Based on the available evidence, the clinical significance of this variant remains unclear.